The following is an entry in ClinVar:

ClinVar aggregate classification (germline): Uncertain significance (1 of 4 stars; one submission).

Conditions:
Hereditary cancer-predisposing syndrome. Also called: Neoplastic Syndromes, Hereditary; Tumor predisposition; Hereditary Cancer Syndrome; Hereditary neoplastic syndrome. Identifiers: Orphanet 140162, MedGen C0027672, MeSH D009386, MONDO:0015356.

Submission:

Ambry Genetics
Classification: Uncertain significance for Hereditary cancer-predisposing syndrome. Last evaluated: 2025-09-23. Review status: criteria provided, single submitter. Criteria: Ambry Variant Classification Scheme 2023. Collection method: clinical testing. Allele origin: germline.
Comment: The p.S189G variant (also known as c.565A>G), located in coding exon 3 of the PHOX2B gene, results from an A to G substitution at nucleotide position 565. The serine at codon 189 is replaced by glycine, an amino acid with similar properties. This amino acid position is conserved. In addition, this alteration is predicted to be tolerated by in silico analysis. Based on the available evidence, the clinical significance of this variant remains unclear.

NM_003924.4(PHOX2B):c.565A>G (p.Ser189Gly)

Gene: PHOX2B (paired like homeobox 2B; minus strand). Cytogenetic location: 4p13.
Variant type: single nucleotide variant.
Coding change: c.565A>G on transcript NM_003924.4 (MANE Select); coding-DNA position 565, A replaced by G.
Protein change: p.Ser189Gly; replaces serine 189 with glycine.
Molecular consequence: missense variant.
Genome position (GRCh38, 1-based): chr4:41,746,187, T>C on the plus strand (A>G on the coding strand, the complement: PHOX2B is on the minus strand). VCF-style: chr4-41746187-T-C. GRCh37 (hg19) VCF-style: chr4-41748204-T-C.
Other names: short protein forms S189G.
Identifiers: ClinVar variation 4665918 (VCV004665918.1).
Genomic context (GRCh38, chr4:41,746,187, plus strand): 5'-CGCAGCTGGGGGTGGGGTTGGGATTGGGACCTGGGCCCCCAGTGCTGTCCGGGTCAGTGC[T>C]CTTGGCCTCTTTGCTCTCGTCGTCCCTGGAAGAGTCAGACTTTTTGCCCGAGGAGCCGTT-3'
Protein context (NP_003915.2, residues 179-199): SRDDESKEAK[Ser189Gly]TDPDSTGGPG